The following is an entry in ClinVar:

NM_001015877.2(PHF6):c.62A>C (p.Lys21Thr)

Gene: PHF6 (PHD finger protein 6; plus strand). Cytogenetic location: Xq26.2.
Variant type: single nucleotide variant.
Coding change: c.62A>C on transcript NM_001015877.2 (MANE Select); coding-DNA position 62, A replaced by C.
Protein change: p.Lys21Thr; replaces lysine 21 with threonine.
Molecular consequence: missense variant.
Genome position (GRCh38, 1-based): chrX:134,377,679, A>C. VCF-style: chrX-134377679-A-C. GRCh37 (hg19) VCF-style: chrX-133511709-A-C.
Other names: c.62A>C, p.Lys21Thr (NM_032335.3, NM_032458.3); short protein forms K21T.
Identifiers: ClinVar variation 3373339 (VCV003373339.1).

ClinVar aggregate classification (germline): Uncertain significance (1 of 4 stars; one submission).

Submission:

GeneDx
Classification: Uncertain significance. Last evaluated: 2024-05-02. Review status: criteria provided, single submitter. Criteria: GeneDx Variant Classification Process June 2021. Collection method: clinical testing. Allele origin: germline. Affected: yes.
Comment: Not observed at significant frequency in large population cohorts (gnomAD); In silico analysis indicates that this missense variant does not alter protein structure/function; Has not been previously published as pathogenic or benign to our knowledge